The following is an entry in ClinVar:

NM_000504.4(F10):c.22G>A (p.Val8Ile)

Gene: F10 (coagulation factor X; plus strand). Cytogenetic location: 13q34.
Variant type: single nucleotide variant.
Coding change: c.22G>A on transcript NM_000504.4 (MANE Select); coding-DNA position 22, G replaced by A.
Protein change: p.Val8Ile; replaces valine 8 with isoleucine.
Molecular consequence: missense variant.
Genome position (GRCh38, 1-based): chr13:113,122,877, G>A. VCF-style: chr13-113122877-G-A. GRCh37 (hg19) VCF-style: chr13-113777191-G-A.
Other names: c.22G>A, p.Val8Ile (NM_001312674.2, NM_001312675.2); short protein forms V8I.
Identifiers: ClinVar variation 4980257 (VCV004980257.1).

ClinVar aggregate classification (germline): Uncertain significance (1 of 4 stars; one submission).

Conditions:
F10-related disorder. Also called: F10-related condition.

gnomAD v4.1: 38 of 1,610,694 alleles (0.0024%); highest among the groups gnomAD compares: Non-Finnish European, 0.0031%; no homozygotes.

Submission:

PreventionGenetics, part of Exact Sciences
Classification: Uncertain significance for F10-related condition. Last evaluated: 2025-10-13. Review status: criteria provided, single submitter. Criteria: ACMG Guidelines, 2015. Collection method: clinical testing. Allele origin: germline.
Comment: The F10 c.22G>A variant is predicted to result in the amino acid substitution p.Val8Ile. To our knowledge, this variant has not been reported in the literature. This variant is reported in 0.0027% of alleles in individuals of European (Non-Finnish) descent in gnomAD. At this time, the clinical significance of this variant is uncertain due to the absence of conclusive functional and genetic evidence.